The following is an entry in ClinVar:

NM_015512.5(DNAH1):c.2481C>T (p.Ser827=)

Gene: DNAH1 (dynein axonemal heavy chain 1; plus strand). Cytogenetic location: 3p21.1.
Variant type: single nucleotide variant.
Coding change: c.2481C>T on transcript NM_015512.5 (MANE Select); coding-DNA position 2481, C replaced by T.
Protein change: p.Ser827=; no amino-acid change (serine 827 retained).
Molecular consequence: synonymous variant.
Genome position (GRCh38, 1-based): chr3:52,349,375, C>T. VCF-style: chr3-52349375-C-T. GRCh37 (hg19) VCF-style: chr3-52383391-C-T.
Other names: p.Ser827=.
Identifiers: ClinVar variation 3753588 (VCV003753588.4).

ClinVar aggregate classification (germline): Likely benign. Review status: criteria provided, multiple submitters, no conflicts (2 of 4 stars). 3 submissions from 3 submitters: Likely benign (3). Last evaluated 2025-10-18.

Conditions:
Spermatogenic failure 18. Identifiers: MedGen C4539783, MONDO:0054615, OMIM 617576.
Ciliary dyskinesia, primary, 37 (CILD37). Also called: CILIARY DYSKINESIA, PRIMARY, 37, WITH OR WITHOUT SITUS INVERSUS. Identifiers: MedGen C4539798, MONDO:0033204, OMIM 617577.

gnomAD v4.1: 9 of 1,613,888 alleles (0.00056%); highest among the groups gnomAD compares: African/African-American, 0.0027%; no homozygotes.

Submissions (3):

Mayo Clinic Laboratories, Mayo Clinic
Classification: Likely benign. Last evaluated: 2025-10-18. Review status: criteria provided, single submitter. Criteria: ACMG Guidelines, 2015. Collection method: clinical testing. Allele origin: germline. Observed: 1 variant allele.
Comment: BP4, BP7, PM2_supporting

Labcorp Genetics (formerly Invitae), Labcorp
Classification: Likely benign for Ciliary dyskinesia, primary, 37; Spermatogenic failure 18. Last evaluated: 2024-05-29. Review status: criteria provided, single submitter. Criteria: Invitae Variant Classification Sherloc (09022015). Collection method: clinical testing. Allele origin: germline.

Blueprint Genetics
Classification: Likely benign. Last evaluated: 2022-07-15. Review status: criteria provided, single submitter. Criteria: ACMG Guidelines, 2015. Collection method: clinical testing. Allele origin: germline.